The following is an entry in ClinVar:

NM_007294.4(BRCA1):c.3461T>C (p.Leu1154Ser)

Genes: BRCA1 (BRCA1 DNA repair associated; minus strand), LOC126862571 (BRD4-independent group 4 enhancer GRCh37_chr17:41243136-41244335; plus strand). Cytogenetic location: 17q21.31.
Variant type: single nucleotide variant.
Coding change: c.3461T>C on transcript NM_007294.4 (MANE Select); coding-DNA position 3461, T replaced by C.
Protein change: p.Leu1154Ser; replaces leucine 1154 with serine.
Molecular consequence: missense variant. On other transcripts: intron variant (135).
Genome position (GRCh38, 1-based): chr17:43,092,070, A>G on the plus strand (T>C on the coding strand, the complement: BRCA1 is on the minus strand). VCF-style: chr17-43092070-A-G. GRCh37 (hg19) VCF-style: chr17-41244087-A-G.
Other names: c.3251T>C, p.Leu1084Ser (NM_001407900.1, NM_001407902.1, NM_001407904.1 and 13 more transcripts); c.3248T>C, p.Leu1083Ser (NM_001407915.1, NM_001407916.1, NM_001407571.1 and 9 more transcripts); c.3461T>C, p.Leu1154Ser (NM_001407581.1, NM_001407582.1, NM_001407583.1 and 30 more transcripts); c.3458T>C, p.Leu1153Ser (NM_001407587.1, NM_001407590.1, NM_001407591.1 and 22 more transcripts); c.665-1038T>C (NM_001408428.1, NM_001408441.1, NM_001408437.1 and 12 more transcripts); c.671-1038T>C (NM_001408418.1, NM_001408423.1, NM_001408420.1 and 2 more transcripts); c.788-1038T>C (NM_001407981.1, NM_007298.4, NM_001407978.1 and 17 more transcripts); c.644-1038T>C (NM_001408462.1, NM_001408470.1, NM_001408464.1 and 3 more transcripts); and 41 more; short protein forms L1087S, L1112S, L1113S, L1153S, L858S, L1026S, L1107S, L1154S.
Identifiers: ClinVar variation 3261464 (VCV003261464.2).

ClinVar aggregate classification (germline): Uncertain significance. Review status: criteria provided, multiple submitters, no conflicts (2 of 4 stars). 2 submissions from 2 submitters: Uncertain significance (2). Last evaluated 2025-12-08.

Conditions:
Hereditary cancer-predisposing syndrome. Also called: Hereditary Cancer Syndrome; Tumor predisposition; Hereditary neoplastic syndrome; Neoplastic Syndromes, Hereditary. Identifiers: Orphanet 140162, MedGen C0027672, MeSH D009386, MONDO:0015356.
Hereditary breast ovarian cancer syndrome. Also called: Hereditary breast and ovarian cancer; Hereditary breast and ovarian cancer syndrome (HBOC); BRCA1- and BRCA2-Associated Hereditary Breast and Ovarian Cancer; Hereditary breast and ovarian cancer syndrome; Hereditary breast and/or ovarian cancer syndrome; Breast and ovarian cancer. Identifiers: Orphanet 145, MedGen C0677776, MeSH D061325, MONDO:0003582. Disease mechanism: loss of function.

Submissions (2):

Labcorp Genetics (formerly Invitae), Labcorp
Classification: Uncertain significance for Hereditary breast ovarian cancer syndrome. Last evaluated: 2025-12-08. Review status: criteria provided, single submitter. Criteria: Invitae Variant Classification Sherloc (09022015). Collection method: clinical testing. Allele origin: germline.
Comment: This sequence change replaces leucine, which is neutral and non-polar, with serine, which is neutral and polar, at codon 1154 of the BRCA1 protein (p.Leu1154Ser). This variant is not present in population databases (gnomAD no frequency). This variant has not been reported in the literature in individuals affected with BRCA1-related conditions. ClinVar contains an entry for this variant (Variation ID: 3261464). Invitae Evidence Modeling of protein sequence and biophysical properties (such as structural, functional, and spatial information, amino acid conservation, physicochemical variation, residue mobility, and thermodynamic stability) indicates that this missense variant is expected to disrupt BRCA1 protein function with a positive predictive value of 80%. In summary, the available evidence is currently insufficient to determine the role of this variant in disease. Therefore, it has been classified as a Variant of Uncertain Significance.

Ambry Genetics
Classification: Uncertain significance for Hereditary cancer-predisposing syndrome. Last evaluated: 2024-04-12. Review status: criteria provided, single submitter. Criteria: Ambry Variant Classification Scheme 2023. Collection method: clinical testing. Allele origin: germline.
Comment: The p.L1154S variant (also known as c.3461T>C), located in coding exon 9 of the BRCA1 gene, results from a T to C substitution at nucleotide position 3461. The leucine at codon 1154 is replaced by serine, an amino acid with dissimilar properties. This amino acid position is conserved. In addition, the in silico prediction for this alteration is inconclusive. Based on the available evidence, the clinical significance of this variant remains unclear.